The following is an entry in ClinVar:

NM_001042492.3(NF1):c.287G>T (p.Gly96Val)

Gene: NF1 (neurofibromin 1; plus strand). Cytogenetic location: 17q11.2.
Variant type: single nucleotide variant.
Coding change: c.287G>T on transcript NM_001042492.3 (MANE Select); coding-DNA position 287, G replaced by T.
Protein change: p.Gly96Val; replaces glycine 96 with valine.
Molecular consequence: missense variant.
Genome position (GRCh38, 1-based): chr17:31,159,092, G>T. VCF-style: chr17-31159092-G-T. GRCh37 (hg19) VCF-style: chr17-29486110-G-T.
Other names: c.287G>T, p.Gly96Val (NM_000267.4, NM_001128147.3); short protein forms G96V.
Identifiers: ClinVar variation 5025629 (VCV005025629.1).

ClinVar aggregate classification (germline): Uncertain significance (1 of 4 stars; one submission).

Conditions:
Cardiovascular phenotype. Identifiers: MedGen CN230736.
Hereditary cancer-predisposing syndrome. Also called: Neoplastic Syndromes, Hereditary; Tumor predisposition; Hereditary neoplastic syndrome; Hereditary Cancer Syndrome. Identifiers: Orphanet 140162, MedGen C0027672, MeSH D009386, MONDO:0015356.

Submission:

Ambry Genetics
Classification: Uncertain significance for Cardiovascular phenotype; Hereditary cancer-predisposing syndrome. Last evaluated: 2026-08-19. Review status: criteria provided, single submitter. Criteria: Ambry Variant Classification Scheme 2023. Collection method: clinical testing. Allele origin: germline.
Comment: The p.G96V variant (also known as c.287G>T), located in coding exon 3 of the NF1 gene, results from a G to T substitution at nucleotide position 287. The glycine at codon 96 is replaced by valine, an amino acid with dissimilar properties. This amino acid position is conserved. In addition, this alteration is predicted to be deleterious by in silico analysis. Based on the available evidence, the clinical significance of this variant remains unclear.